The following is an entry in ClinVar:

ClinVar aggregate classification (germline): Uncertain significance. Review status: criteria provided, multiple submitters, no conflicts (2 of 4 stars). 2 submissions from 2 submitters: Uncertain significance (2). Last evaluated 2026-02-04.

Conditions:
PHF8-related disorder. Also called: PHF8-related condition.

Allele frequency attached by ClinVar (database versions not stated): gnomAD exomes 0.00001; TOPMed 0.00002.
gnomAD v4.1: 13 of 1,208,723 alleles (0.0011%); highest among the groups gnomAD compares: Non-Finnish European, 0.0015%; no homozygotes.

Submissions (3):

PreventionGenetics, part of Exact Sciences
Classification: Uncertain significance for PHF8-related condition. Last evaluated: 2026-02-04. Review status: criteria provided, single submitter. Criteria: ACMG Guidelines, 2015. Collection method: clinical testing. Allele origin: germline.
Comment: The PHF8 c.2054G>T variant is predicted to result in the amino acid substitution p.Gly685Val. To our knowledge, this variant has not been reported in the literature. This variant is reported in 0.0012% of alleles in individuals of European (Non-Finnish) descent in gnomAD. At this time, the clinical significance of this variant is uncertain due to the absence of conclusive functional and genetic evidence.

GeneDx
Classification: Uncertain significance. Last evaluated: 2022-03-01. Review status: criteria provided, single submitter. Criteria: GeneDx Variant Classification Process June 2021. Collection method: clinical testing. Allele origin: germline. Affected: yes.
Comment: In silico analysis supports that this missense variant has a deleterious effect on protein structure/function; Has not been previously published as pathogenic or benign to our knowledge

Dr. Peter K. Rogan Lab, Western University
No classification provided (evidence only). Condition: Uterine corpus endometrial carcinoma. Review status: no classification provided. Collection method: in vitro. Allele origin: not applicable. Functional consequence: retained intron. Not counted in ClinVar's aggregate classification.

NM_015107.3(PHF8):c.2054G>T (p.Gly685Val)

Gene: PHF8 (PHD finger protein 8; minus strand). Cytogenetic location: Xp11.22.
Variant type: single nucleotide variant.
Coding change: c.2054G>T on transcript NM_015107.3 (MANE Select); coding-DNA position 2054, G replaced by T.
Protein change: p.Gly685Val; replaces glycine 685 with valine.
Molecular consequence: missense variant. On other transcripts: intron variant (1).
Genome position (GRCh38, 1-based): chrX:53,985,891, C>A on the plus strand (G>T on the coding strand, the complement: PHF8 is on the minus strand). VCF-style: chrX-53985891-C-A. GRCh37 (hg19) VCF-style: chrX-54012324-C-A.
Other names: NC_000023.10:g.54012324C>A; c.2162G>T, p.Gly721Val (NM_001184896.1); c.1751G>T, p.Gly584Val (NM_001184897.2); c.2038+16G>T (NM_001184898.2); short protein forms G584V, G685V, G721V.
Identifiers: ClinVar variation 1703914 (VCV001703914.4), dbSNP rs1557099433, ClinGen allele CA413254203.